The following is an entry in ClinVar:

NM_014314.4(RIGI):c.1480G>A (p.Glu494Lys)

Gene: RIGI (RNA sensor RIG-I; minus strand). Cytogenetic location: 9p21.1.
Variant type: single nucleotide variant.
Coding change: c.1480G>A on transcript NM_014314.4 (MANE Select); coding-DNA position 1480, G replaced by A.
Protein change: p.Glu494Lys; replaces glutamic acid 494 with lysine.
Molecular consequence: missense variant.
Genome position (GRCh38, 1-based): chr9:32,485,175, C>T on the plus strand (G>A on the coding strand, the complement: RIGI is on the minus strand). VCF-style: chr9-32485175-C-T. GRCh37 (hg19) VCF-style: chr9-32485173-C-T.
Other names: c.1474G>A, p.Glu492Lys (NM_001385907.1); c.1480G>A, p.Glu494Lys (NM_001385909.1); c.1039G>A, p.Glu347Lys (NM_001385910.1); c.871G>A, p.Glu291Lys (NM_001385912.1); c.1465G>A, p.Glu489Lys (NM_001385913.1); c.1036G>A, p.Glu346Lys (NM_001385914.1); short protein forms E347K, E492K, E489K, E291K, E346K, E494K.
Identifiers: ClinVar variation 1981875 (VCV001981875.4), dbSNP rs371210069, ClinGen allele CA5019794.

ClinVar aggregate classification (germline): Uncertain significance (1 of 4 stars; one submission).

Allele frequency attached by ClinVar (database versions not stated): gnomAD exomes 0.00001; ExAC 0.00002; gnomAD 0.00005; TOPMed 0.00006; ESP Exome Variant Server 0.00008.
gnomAD v4.1: 28 of 1,591,648 alleles (0.0018%); highest among the groups gnomAD compares: African/African-American, 0.012%; no homozygotes.

Submission:

Labcorp Genetics (formerly Invitae), Labcorp
Classification: Uncertain significance. Last evaluated: 2025-08-02. Review status: criteria provided, single submitter. Criteria: Invitae Variant Classification Sherloc (09022015). Collection method: clinical testing. Allele origin: germline.
Comment: This sequence change replaces glutamic acid, which is acidic and polar, with lysine, which is basic and polar, at codon 494 of the DDX58 protein (p.Glu494Lys). This variant also falls at the last nucleotide of exon 10, which is part of the consensus splice site for this exon. This variant is present in population databases (rs371210069, gnomAD 0.02%). This variant has not been reported in the literature in individuals affected with DDX58-related conditions. ClinVar contains an entry for this variant (Variation ID: 1981875). An algorithm developed to predict the effect of missense changes on protein structure and function outputs the following: PolyPhen-2: "Benign". The lysine amino acid residue is found in multiple mammalian species, which suggests that this missense change does not adversely affect protein function. Variants that disrupt the consensus splice site are a relatively common cause of aberrant splicing (PMID: 17576681, 9536098). Algorithms developed to predict the effect of sequence changes on RNA splicing suggest that this variant may disrupt the consensus splice site. In summary, the available evidence is currently insufficient to determine the role of this variant in disease. Therefore, it has been classified as a Variant of Uncertain Significance.

Literature cited by the submitters: PubMed 17576681; PubMed 9536098.